The following is an entry in ClinVar:

NM_003907.3(EIF2B5):c.895C>T (p.Arg299Cys)

Gene: EIF2B5 (eukaryotic translation initiation factor 2B subunit epsilon; plus strand). Cytogenetic location: 3q27.1.
Variant type: single nucleotide variant.
Coding change: c.895C>T on transcript NM_003907.3 (MANE Select); coding-DNA position 895, C replaced by T.
Protein change: p.Arg299Cys; replaces arginine 299 with cysteine.
Molecular consequence: missense variant.
Genome position (GRCh38, 1-based): chr3:184,140,469, C>T. VCF-style: chr3-184140469-C-T. GRCh37 (hg19) VCF-style: chr3-183858257-C-T.
Other names: short protein forms R299C.
Identifiers: ClinVar variation 372360 (VCV000372360.5), dbSNP rs749256406, ClinGen allele CA2726545.

ClinVar aggregate classification (germline): Likely pathogenic. Review status: criteria provided, multiple submitters, no conflicts (2 of 4 stars). 2 submissions from 2 submitters: Likely pathogenic (2). Last evaluated 2024-06-02.

Allele frequency attached by ClinVar (database versions not stated): gnomAD exomes 0.00001 and 0.00002; ExAC 0.00002.
gnomAD v4.1: 9 of 1,614,082 alleles (0.00056%); highest among the groups gnomAD compares: East Asian, 0.0022%; no homozygotes.

Submissions (2):

Labcorp Genetics (formerly Invitae), Labcorp
Classification: Likely pathogenic. Last evaluated: 2024-06-02. Review status: criteria provided, single submitter. Criteria: Invitae Variant Classification Sherloc (09022015). Collection method: clinical testing. Allele origin: germline.
Comment: This sequence change replaces arginine, which is basic and polar, with cysteine, which is neutral and slightly polar, at codon 299 of the EIF2B5 protein (p.Arg299Cys). This variant is present in population databases (rs749256406, gnomAD 0.006%). This missense change has been observed in individual(s) with clinical features of EIF2B5-related conditions (Invitae). In at least one individual the data is consistent with being in trans (on the opposite chromosome) from a pathogenic variant. ClinVar contains an entry for this variant (Variation ID: 372360). Advanced modeling of protein sequence and biophysical properties (such as structural, functional, and spatial information, amino acid conservation, physicochemical variation, residue mobility, and thermodynamic stability) has been performed at Invitae for this missense variant, however the output from this modeling did not meet the statistical confidence thresholds required to predict the impact of this variant on EIF2B5 protein function. This variant disrupts the p.Arg299 amino acid residue in EIF2B5. Other variant(s) that disrupt this residue have been determined to be pathogenic (PMID: 11704758, 14993275, 18005052, 21560189, 22699478, 29995139). This suggests that this residue is clinically significant, and that variants that disrupt this residue are likely to be disease-causing. In summary, the currently available evidence indicates that the variant is pathogenic, but additional data are needed to prove that conclusively. Therefore, this variant has been classified as Likely Pathogenic.

GeneDx
Classification: Likely pathogenic. Last evaluated: 2016-09-12. Review status: criteria provided, single submitter. Criteria: GeneDx Variant Classification (06012015). Collection method: clinical testing. Allele origin: germline. Affected: yes.
Comment: The R299C variant in the EIF2B5 gene has not been published as a pathogenic variant, nor has it been reported as a benign variant to our knowledge. The R299C variant was not observed in approximately 6500 individuals of European and African American ancestry in the NHLBI Exome Sequencing Project, indicating it is not a common benign variant in these populations. The R299C variant is a non-conservative amino acid substitution, which occurs at a position where amino acids with similar properties to Arginine are tolerated across species. In silico analysis predicts this variant is probably damaging to the protein structure/function. A missense variant in the same residue (R299H) has been reported previously in multiple individuals with vanishing white matter disease (VWM) who were heterozygous for a second pathogenic variant (Leegwater et al., 2001; Peter et al., 2008; Liu et al., 2011; Imam et al., 2011). Based on review of the data in the context of the 2015 ACMG standards and guidelines for the interpretation of sequence variants (Richards et al., 2015), we interpret R299C as a likely pathogenic variant, however the possibility it may be a rare benign variant cannot be excluded.

Literature cited by the submitters: PubMed 11704758 (cited by Labcorp Genetics (formerly Invitae), Labcorp); PubMed 14993275 (cited by Labcorp Genetics (formerly Invitae), Labcorp); PubMed 18005052 (cited by Labcorp Genetics (formerly Invitae), Labcorp); PubMed 21560189 (cited by Labcorp Genetics (formerly Invitae), Labcorp); PubMed 22699478 (cited by Labcorp Genetics (formerly Invitae), Labcorp); PubMed 29995139 (cited by Labcorp Genetics (formerly Invitae), Labcorp).